The following is an entry in ClinVar:

NM_004260.4(RECQL4):c.1465G>C (p.Val489Leu)

Gene: RECQL4 (RecQ like helicase 4; minus strand). Cytogenetic location: 8q24.3.
Variant type: single nucleotide variant.
Coding change: c.1465G>C on transcript NM_004260.4 (MANE Select); coding-DNA position 1465, G replaced by C.
Protein change: p.Val489Leu; replaces valine 489 with leucine.
Molecular consequence: missense variant.
Genome position (GRCh38, 1-based): chr8:144,515,168, C>G on the plus strand (G>C on the coding strand, the complement: RECQL4 is on the minus strand). VCF-style: chr8-144515168-C-G. GRCh37 (hg19) VCF-style: chr8-145740552-C-G.
Other names: short protein forms V489L.
Identifiers: ClinVar variation 836654 (VCV000836654.5), dbSNP rs1250323268, ClinGen allele CA372684620.

ClinVar aggregate classification (germline): Uncertain significance (1 of 4 stars; one submission).

Conditions:
Baller-Gerold syndrome (BGS). Also called: CRANIOSYNOSTOSIS WITH RADIAL DEFECTS. Identifiers: Orphanet 1225, MedGen C0265308, MONDO:0009039, OMIM 218600.

Submission:

Labcorp Genetics (formerly Invitae), Labcorp
Classification: Uncertain significance for Baller-Gerold syndrome. Last evaluated: 2024-04-29. Review status: criteria provided, single submitter. Criteria: Invitae Variant Classification Sherloc (09022015). Collection method: clinical testing. Allele origin: germline.
Comment: This sequence change replaces valine, which is neutral and non-polar, with leucine, which is neutral and non-polar, at codon 489 of the RECQL4 protein (p.Val489Leu). This variant is not present in population databases (gnomAD no frequency). This variant has not been reported in the literature in individuals affected with RECQL4-related conditions. ClinVar contains an entry for this variant (Variation ID: 836654). Advanced modeling of protein sequence and biophysical properties (such as structural, functional, and spatial information, amino acid conservation, physicochemical variation, residue mobility, and thermodynamic stability) has been performed at Invitae for this missense variant, however the output from this modeling did not meet the statistical confidence thresholds required to predict the impact of this variant on RECQL4 protein function. In summary, the available evidence is currently insufficient to determine the role of this variant in disease. Therefore, it has been classified as a Variant of Uncertain Significance.